The following is an entry in ClinVar:

ClinVar aggregate classification (germline): Uncertain significance (1 of 4 stars; one submission).

Conditions:
Niemann-Pick disease, type C1. Also called: NIEMANN-PICK DISEASE, VARIANT TYPE C1; NEUROVISCERAL STORAGE DISEASE WITH VERTICAL SUPRANUCLEAR OPHTHALMOPLEGIA; NIEMANN-PICK DISEASE WITH CHOLESTEROL ESTERIFICATION BLOCK; NIEMANN-PICK DISEASE WITHOUT SPHINGOMYELINASE DEFICIENCY; NIEMANN-PICK DISEASE, CHRONIC NEURONOPATHIC FORM. Identifiers: Orphanet 646, MedGen C3179455, MONDO:0009757, OMIM 257220.

Submission:

Labcorp Genetics (formerly Invitae), Labcorp
Classification: Uncertain significance for Niemann-Pick disease, type C1. Last evaluated: 2022-11-01. Review status: criteria provided, single submitter. Criteria: Invitae Variant Classification Sherloc (09022015). Collection method: clinical testing. Allele origin: germline.
Comment: In summary, the available evidence is currently insufficient to determine the role of this variant in disease. Therefore, it has been classified as a Variant of Uncertain Significance. This sequence change replaces glutamic acid, which is acidic and polar, with alanine, which is neutral and non-polar, at codon 391 of the NPC1 protein (p.Glu391Ala). This variant is not present in population databases (gnomAD no frequency). This variant has not been reported in the literature in individuals affected with NPC1-related conditions. Advanced modeling of protein sequence and biophysical properties (such as structural, functional, and spatial information, amino acid conservation, physicochemical variation, residue mobility, and thermodynamic stability) performed at Invitae indicates that this missense variant is expected to disrupt NPC1 protein function. This variant disrupts the p.Glu391 amino acid residue in NPC1. Other variant(s) that disrupt this residue have been observed in individuals with NPC1-related conditions (PMID: 24001525, 26981555), which suggests that this may be a clinically significant amino acid residue.

Literature cited by the submitters: PubMed 24001525; PubMed 26981555.

NM_000271.5(NPC1):c.1172A>C (p.Glu391Ala)

Gene: NPC1 (NPC intracellular cholesterol transporter 1; minus strand). Cytogenetic location: 18q11.2.
Variant type: single nucleotide variant.
Coding change: c.1172A>C on transcript NM_000271.5 (MANE Select); coding-DNA position 1172, A replaced by C.
Protein change: p.Glu391Ala; replaces glutamic acid 391 with alanine.
Molecular consequence: missense variant.
Genome position (GRCh38, 1-based): chr18:23,556,397, T>G on the plus strand (A>C on the coding strand, the complement: NPC1 is on the minus strand). VCF-style: chr18-23556397-T-G. GRCh37 (hg19) VCF-style: chr18-21136361-T-G.
Other names: short protein forms E391A.
Identifiers: ClinVar variation 2191838 (VCV002191838.4), dbSNP rs2511283355, ClinGen allele CA401777915.